The following is an entry in ClinVar:

ClinVar aggregate classification (germline): Likely pathogenic (1 of 4 stars; one submission).

Submission:

GeneDx
Classification: Likely pathogenic. Last evaluated: 2024-12-13. Review status: criteria provided, single submitter. Criteria: GeneDx Variant Classification Process June 2021. Collection method: clinical testing. Allele origin: germline.
Comment: Not observed at significant frequency in large population cohorts (gnomAD); In silico analysis indicates that this missense variant does not alter protein structure/function; Has not been previously published as pathogenic or benign to our knowledge; This variant is associated with the following publications: (PMID: 27164704)

NM_007327.4(GRIN1):c.1857C>G (p.Ile619Met)

Gene: GRIN1 (glutamate ionotropic receptor NMDA type subunit 1; plus strand). Cytogenetic location: 9q34.3.
Variant type: single nucleotide variant.
Coding change: c.1857C>G on transcript NM_007327.4 (MANE Select); coding-DNA position 1857, C replaced by G.
Protein change: p.Ile619Met; replaces isoleucine 619 with methionine.
Molecular consequence: missense variant.
Genome position (GRCh38, 1-based): chr9:137,162,509, C>G. VCF-style: chr9-137162509-C-G. GRCh37 (hg19) VCF-style: chr9-140056961-C-G.
Other names: c.1857C>G, p.Ile619Met (NM_000832.7, NM_021569.4); c.1920C>G, p.Ile640Met (NM_001185090.2, NM_001185091.2); short protein forms I619M, I640M.
Identifiers: ClinVar variation 1810638 (VCV001810638.2), dbSNP rs2131298697, ClinGen allele CA375719970.